The following is an entry in ClinVar:

ClinVar aggregate classification (germline): Likely benign (1 of 4 stars; one submission).

Allele frequency attached by ClinVar (database versions not stated): gnomAD exomes 0.00004; gnomAD 0.00006.

Submission:

CeGaT Center for Human Genetics Tuebingen
Classification: Likely benign. Last evaluated: 2022-06-01. Review status: criteria provided, single submitter. Criteria: CeGaT Center For Human Genetics Tuebingen Variant Classification Criteria Version 2. Collection method: clinical testing. Allele origin: germline. Affected: yes. Observed: 1 variant allele.
Comment: SHROOM1: BP4, BP7

NM_001172700.2(SHROOM1):c.504C>G (p.Pro168=)

Genes: SHROOM1 (shroom family member 1; minus strand), LOC129994609 (ATAC-STARR-seq lymphoblastoid silent region 16340; plus strand). Cytogenetic location: 5q31.1.
Variant type: single nucleotide variant.
Coding change: c.504C>G on transcript NM_001172700.2 (MANE Select); coding-DNA position 504, C replaced by G.
Protein change: p.Pro168=; no amino-acid change (proline 168 retained).
Molecular consequence: synonymous variant.
Genome position (GRCh38, 1-based): chr5:132,825,637, G>C on the plus strand (C>G on the coding strand, the complement: SHROOM1 is on the minus strand). VCF-style: chr5-132825637-G-C. GRCh37 (hg19) VCF-style: chr5-132161329-G-C.
Other names: c.504C>G, p.Pro168= (NM_001410779.1, NM_133456.3).
Identifiers: ClinVar variation 2655698 (VCV002655698.24), dbSNP rs942409972, ClinGen allele CA127263474.